The following is an entry in ClinVar:

ClinVar aggregate classification (germline): Uncertain significance (1 of 4 stars; one submission).

Submission:

GeneDx
Classification: Uncertain significance. Last evaluated: 2020-01-08. Review status: criteria provided, single submitter. Criteria: GeneDx Variant Classification Process June 2021. Collection method: clinical testing. Allele origin: germline. Affected: yes.
Comment: Not observed in large population cohorts (Lek et al., 2016); In silico analysis, which includes protein predictors and evolutionary conservation, supports that this variant does not alter protein structure/function; Has not been previously published as pathogenic or benign to our knowledge

NM_005445.4(SMC3):c.2652C>G (p.Asp884Glu)

Gene: SMC3 (structural maintenance of chromosomes 3; plus strand). Cytogenetic location: 10q25.2.
Variant type: single nucleotide variant.
Coding change: c.2652C>G on transcript NM_005445.4 (MANE Select); coding-DNA position 2652, C replaced by G.
Protein change: p.Asp884Glu; replaces aspartic acid 884 with glutamic acid.
Molecular consequence: missense variant.
Genome position (GRCh38, 1-based): chr10:110,601,644, C>G. VCF-style: chr10-110601644-C-G. GRCh37 (hg19) VCF-style: chr10-112361402-C-G.
Other names: short protein forms D884E.
Identifiers: ClinVar variation 1310573 (VCV001310573.2), dbSNP rs2134752521, ClinGen allele CA378393374.